The following is an entry in ClinVar:

NM_176824.3(BBS7):c.1201C>A (p.Gln401Lys)

Gene: BBS7 (Bardet-Biedl syndrome 7; minus strand). Cytogenetic location: 4q27.
Variant type: single nucleotide variant.
Coding change: c.1201C>A on transcript NM_176824.3 (MANE Select); coding-DNA position 1201, C replaced by A.
Protein change: p.Gln401Lys; replaces glutamine 401 with lysine.
Molecular consequence: missense variant.
Genome position (GRCh38, 1-based): chr4:121,845,533, G>T on the plus strand (C>A on the coding strand, the complement: BBS7 is on the minus strand). VCF-style: chr4-121845533-G-T. GRCh37 (hg19) VCF-style: chr4-122766688-G-T.
Other names: c.1201C>A, p.Gln401Lys (NM_018190.4); short protein forms Q401K.
Identifiers: ClinVar variation 2655061 (VCV002655061.24), dbSNP rs765109765, ClinGen allele CA3064306.

ClinVar aggregate classification (germline): Uncertain significance (1 of 4 stars; one submission).

Allele frequency attached by ClinVar (database versions not stated): gnomAD 0.00001; gnomAD exomes 0.00001; TOPMed below 0.00001; ExAC 0.00001.
gnomAD v4.1: 4 of 1,612,194 alleles (0.00025%); highest among the groups gnomAD compares: Non-Finnish European, 0.00034%; no homozygotes.

Submission:

CeGaT Center for Human Genetics Tuebingen
Classification: Uncertain significance. Last evaluated: 2022-05-01. Review status: criteria provided, single submitter. Criteria: CeGaT Center For Human Genetics Tuebingen Variant Classification Criteria Version 2. Collection method: clinical testing. Allele origin: germline. Affected: yes. Observed: 1 variant allele.
Comment: BBS7: PM2